The following is an entry in ClinVar:

ClinVar aggregate classification (germline): Uncertain significance (1 of 4 stars; one submission).

Conditions:
CHARGE syndrome (CHARGE). Also called: Hittner Hirsch Kreh syndrome; CHARGE ASSOCIATION--COLOBOMA, HEART ANOMALY, CHOANAL ATRESIA, RETARDATION, GENITAL AND EAR ANOMALIES; Coloboma, heart anomaly, choanal atresia, retardation, genital and ear anomalies; CHARGE association; Hall-Hittner syndrome. Identifiers: Orphanet 138, MedGen C0265354, MONDO:0008965.

Submission:

Labcorp Genetics (formerly Invitae), Labcorp
Classification: Uncertain significance for CHARGE syndrome. Last evaluated: 2025-01-29. Review status: criteria provided, single submitter. Criteria: Invitae Variant Classification Sherloc (09022015). Collection method: clinical testing. Allele origin: germline.
Comment: This sequence change replaces alanine, which is neutral and non-polar, with valine, which is neutral and non-polar, at codon 1933 of the CHD7 protein (p.Ala1933Val). This variant is not present in population databases (gnomAD no frequency). This variant has not been reported in the literature in individuals affected with CHD7-related conditions. Invitae Evidence Modeling of protein sequence and biophysical properties (such as structural, functional, and spatial information, amino acid conservation, physicochemical variation, residue mobility, and thermodynamic stability) indicates that this missense variant is not expected to disrupt CHD7 protein function with a negative predictive value of 80%. In summary, the available evidence is currently insufficient to determine the role of this variant in disease. Therefore, it has been classified as a Variant of Uncertain Significance.

NM_017780.4(CHD7):c.5798C>T (p.Ala1933Val)

Gene: CHD7 (chromodomain helicase DNA binding protein 7; plus strand). Cytogenetic location: 8q12.2.
Variant type: single nucleotide variant.
Coding change: c.5798C>T on transcript NM_017780.4 (MANE Select); coding-DNA position 5798, C replaced by T.
Protein change: p.Ala1933Val; replaces alanine 1933 with valine.
Molecular consequence: missense variant. On other transcripts: intron variant (1).
Genome position (GRCh38, 1-based): chr8:60,852,151, C>T. VCF-style: chr8-60852151-C-T. GRCh37 (hg19) VCF-style: chr8-61764710-C-T.
Other names: c.1717-10078C>T (NM_001316690.1); short protein forms A1933V.
Identifiers: ClinVar variation 3666037 (VCV003666037.2).